The following is an entry in ClinVar:

ClinVar aggregate classification (germline): Likely benign. Review status: criteria provided, single submitter (1 of 4 stars). 2 submissions from 2 submitters: Likely benign (1). 1 of the submissions does not count toward it. Last evaluated 2025-12-17.

Conditions:
LAMA5-related disorder. Also called: LAMA5-related condition; LAMA5-Related Disorders.

Allele frequency attached by ClinVar (database versions not stated): ESP Exome Variant Server 0.00033.
gnomAD v4.1: 45 of 1,547,534 alleles (0.0029%); highest among the groups gnomAD compares: Middle Eastern, 0.017%; no homozygotes.

Submissions (2):

Labcorp Genetics (formerly Invitae), Labcorp
Classification: Likely benign. Last evaluated: 2025-12-17. Review status: criteria provided, single submitter. Criteria: Invitae Variant Classification Sherloc (09022015). Collection method: clinical testing. Allele origin: germline.

PreventionGenetics, part of Exact Sciences
Classification: Likely benign for LAMA5-related condition. Last evaluated: 2020-10-19. Review status: no assertion criteria provided. Collection method: clinical testing. Allele origin: germline. Not counted in ClinVar's aggregate classification.
Comment: This variant is classified as likely benign based on ACMG/AMP sequence variant interpretation guidelines (Richards et al. 2015 PMID: 25741868, with internal and published modifications).

NM_005560.6(LAMA5):c.6039C>T (p.Asn2013=)

Gene: LAMA5 (laminin subunit alpha 5; minus strand). Cytogenetic location: 20q13.33.
Variant type: single nucleotide variant.
Coding change: c.6039C>T on transcript NM_005560.6 (MANE Select); coding-DNA position 6039, C replaced by T.
Protein change: p.Asn2013=; no amino-acid change (asparagine 2013 retained).
Molecular consequence: synonymous variant.
Genome position (GRCh38, 1-based): chr20:62,323,481, G>A on the plus strand (C>T on the coding strand, the complement: LAMA5 is on the minus strand). VCF-style: chr20-62323481-G-A. GRCh37 (hg19) VCF-style: chr20-60898537-G-A.
Other names: c.6039C>T (NM_005560.4).
Identifiers: ClinVar variation 2174228 (VCV002174228.6), dbSNP rs376871508, ClinGen allele CA9941926.